The following is an entry in ClinVar:

NM_001378183.1(PIEZO2):c.1420G>A (p.Glu474Lys)

Gene: PIEZO2 (piezo type mechanosensitive ion channel component 2; minus strand). Cytogenetic location: 18p11.22.
Variant type: single nucleotide variant.
Coding change: c.1420G>A on transcript NM_001378183.1 (MANE Select); coding-DNA position 1420, G replaced by A.
Protein change: p.Glu474Lys; replaces glutamic acid 474 with lysine.
Molecular consequence: missense variant.
Genome position (GRCh38, 1-based): chr18:10,797,481, C>T on the plus strand (G>A on the coding strand, the complement: PIEZO2 is on the minus strand). VCF-style: chr18-10797481-C-T. GRCh37 (hg19) VCF-style: chr18-10797479-C-T.
Other names: c.1420G>A, p.Glu474Lys (NM_001410871.1, NM_022068.4); short protein forms E474K.
Identifiers: ClinVar variation 2697401 (VCV002697401.1), dbSNP rs772812069, ClinGen allele CA296006179.

ClinVar aggregate classification (germline): Uncertain significance (1 of 4 stars; one submission).

Allele frequency attached by ClinVar (database versions not stated): gnomAD 0.00002; gnomAD exomes 0.00002; TOPMed 0.00002.
gnomAD v4.1: 31 of 1,537,024 alleles (0.002%); highest among the groups gnomAD compares: Non-Finnish European, 0.0025%; no homozygotes.

Submission:

Labcorp Genetics (formerly Invitae), Labcorp
Classification: Uncertain significance. Last evaluated: 2023-12-02. Review status: criteria provided, single submitter. Criteria: Invitae Variant Classification Sherloc (09022015). Collection method: clinical testing. Allele origin: germline.
Comment: This sequence change replaces glutamic acid, which is acidic and polar, with lysine, which is basic and polar, at codon 474 of the PIEZO2 protein (p.Glu474Lys). This variant is present in population databases (rs772812069, gnomAD 0.004%). This variant has not been reported in the literature in individuals affected with PIEZO2-related conditions. Advanced modeling of protein sequence and biophysical properties (such as structural, functional, and spatial information, amino acid conservation, physicochemical variation, residue mobility, and thermodynamic stability) performed at Invitae indicates that this missense variant is not expected to disrupt PIEZO2 protein function with a negative predictive value of 95%. In summary, the available evidence is currently insufficient to determine the role of this variant in disease. Therefore, it has been classified as a Variant of Uncertain Significance.